The following is an entry in ClinVar:

ClinVar aggregate classification (germline): Uncertain significance (1 of 4 stars; one submission).

Conditions:
Dystonic disorder. Also called: Dystonia. Identifiers: MedGen C0013421, MONDO:0003441, HP:0001332.

Submission:

Labcorp Genetics (formerly Invitae), Labcorp
Classification: Uncertain significance for Dystonic disorder. Last evaluated: 2023-04-06. Review status: criteria provided, single submitter. Criteria: Invitae Variant Classification Sherloc (09022015). Collection method: clinical testing. Allele origin: germline.
Comment: In summary, the available evidence is currently insufficient to determine the role of this variant in disease. Therefore, it has been classified as a Variant of Uncertain Significance. Advanced modeling of protein sequence and biophysical properties (such as structural, functional, and spatial information, amino acid conservation, physicochemical variation, residue mobility, and thermodynamic stability) performed at Invitae indicates that this missense variant is expected to disrupt GNAL protein function. This variant has not been reported in the literature in individuals affected with GNAL-related conditions. This variant is not present in population databases (gnomAD no frequency). This sequence change replaces phenylalanine, which is neutral and non-polar, with cysteine, which is neutral and slightly polar, at codon 327 of the GNAL protein (p.Phe327Cys).

NM_182978.4(GNAL):c.1211T>G (p.Phe404Cys)

Gene: GNAL (G protein subunit alpha L; plus strand). Cytogenetic location: 18p11.21.
Variant type: single nucleotide variant.
Coding change: c.1211T>G on transcript NM_182978.4 (MANE Select); coding-DNA position 1211, T replaced by G.
Protein change: p.Phe404Cys; replaces phenylalanine 404 with cysteine.
Molecular consequence: missense variant.
Genome position (GRCh38, 1-based): chr18:11,876,669, T>G. VCF-style: chr18-11876669-T-G. GRCh37 (hg19) VCF-style: chr18-11876668-T-G.
Other names: c.980T>G, p.Phe327Cys (NM_001142339.3, NM_001261443.2, NM_001369387.1); c.359T>G, p.Phe120Cys (NM_001261444.2); short protein forms F120C, F404C, F327C.
Identifiers: ClinVar variation 2775884 (VCV002775884.3), dbSNP rs2510514803, ClinGen allele CA401934356.